The following is an entry in ClinVar:

ClinVar aggregate classification (germline): Pathogenic (1 of 4 stars; one submission).

Submission:

GeneDx
Classification: Pathogenic. Last evaluated: 2017-03-19. Review status: criteria provided, single submitter. Criteria: GeneDx Variant Classification (06012015). Collection method: clinical testing. Allele origin: germline. Affected: yes.
Comment: The E811X variant in the PIEZO1 gene has not been reported previously as a pathogenic variant nor as a benign variant, to our knowledge. This variant is predicted to cause loss of normal protein function either through protein truncation or nonsense-mediated mRNA decay. The E811X variant is not observed in large population cohorts (Lek et al., 2016; 1000 Genomes Consortium et al., 2015; Exome Variant Server). We interpret E811X as a pathogenic variant.

NM_001142864.4(PIEZO1):c.2431G>T (p.Glu811Ter)

Genes: PIEZO1 (piezo type mechanosensitive ion channel component 1; minus strand), LOC100289580 (uncharacterized LOC100289580; plus strand). Cytogenetic location: 16q24.3.
Variant type: single nucleotide variant.
Coding change: c.2431G>T on transcript NM_001142864.4 (MANE Select); coding-DNA position 2431, G replaced by T.
Protein change: p.Glu811Ter; replaces glutamic acid 811 with a stop codon.
Molecular consequence: nonsense.
Genome position (GRCh38, 1-based): chr16:88,733,644, C>A on the plus strand (G>T on the coding strand, the complement: PIEZO1 is on the minus strand). VCF-style: chr16-88733644-C-A. GRCh37 (hg19) VCF-style: chr16-88800052-C-A.
Other names: c.2431G>T, p.Glu811Ter (LRG_1137t1); short protein forms E811*.
Identifiers: ClinVar variation 424326 (VCV000424326.2), dbSNP rs1064796912, ClinGen allele CA16620293.